The following is an entry in ClinVar:

ClinVar aggregate classification (germline): Uncertain significance (1 of 4 stars; one submission).

Conditions:
Developmental and epileptic encephalopathy, 27 (DEE27). Also called: Epileptic encephalopathy, early infantile, 27; GRIN2B-Related Neurodevelopmental Disorder. Identifiers: Orphanet 3451, MedGen C4015316, MONDO:0014505, OMIM 616139.
Intellectual developmental disorder, autosomal dominant 6, with or without seizures. Also called: Intellectual disability, autosomal dominant 6; GRIN2B-related developmental delay, intellectual disability and autism spectrum disorder. Identifiers: Orphanet 589547, MedGen C3151411, MONDO:0013509, OMIM 613970.

Submission:

Labcorp Genetics (formerly Invitae), Labcorp
Classification: Uncertain significance for Developmental and epileptic encephalopathy, 27; Intellectual developmental disorder, autosomal dominant 6, with or without seizures. Last evaluated: 2024-09-30. Review status: criteria provided, single submitter. Criteria: Invitae Variant Classification Sherloc (09022015). Collection method: clinical testing. Allele origin: germline.
Comment: This sequence change replaces arginine, which is basic and polar, with lysine, which is basic and polar, at codon 1407 of the GRIN2B protein (p.Arg1407Lys). This variant is not present in population databases (gnomAD no frequency). This variant has not been reported in the literature in individuals affected with GRIN2B-related conditions. Invitae Evidence Modeling of protein sequence and biophysical properties (such as structural, functional, and spatial information, amino acid conservation, physicochemical variation, residue mobility, and thermodynamic stability) indicates that this missense variant is not expected to disrupt GRIN2B protein function with a negative predictive value of 95%. In summary, the available evidence is currently insufficient to determine the role of this variant in disease. Therefore, it has been classified as a Variant of Uncertain Significance.

NM_000834.5(GRIN2B):c.4220G>A (p.Arg1407Lys)

Gene: GRIN2B (glutamate ionotropic receptor NMDA type subunit 2B; minus strand). Cytogenetic location: 12p13.1.
Variant type: single nucleotide variant.
Coding change: c.4220G>A on transcript NM_000834.5 (MANE Select); coding-DNA position 4220, G replaced by A.
Protein change: p.Arg1407Lys; replaces arginine 1407 with lysine.
Molecular consequence: missense variant.
Genome position (GRCh38, 1-based): chr12:13,563,018, C>T on the plus strand (G>A on the coding strand, the complement: GRIN2B is on the minus strand). VCF-style: chr12-13563018-C-T. GRCh37 (hg19) VCF-style: chr12-13715952-C-T.
Other names: c.4220G>A, p.Arg1407Lys (NM_001413992.1); short protein forms R1407K.
Identifiers: ClinVar variation 3753849 (VCV003753849.2).
Genomic context (GRCh38, chr12:13,563,018, plus strand): 5'-TTGGTGACAAGGGCCCGGAAGTCCGGCCTGGCTTTCGACGCCCCCGCCACCGTGGGCTGC[C>T]TGAAGAAGTAGGATTTGCTGCCATGGAGCAAGCACTGGTCGTCCCCAAAAGTGGGGATGA-3'
Protein context (NP_000825.2, residues 1397-1417): LLHGSKSYFF[Arg1407Lys]QPTVAGASKA